The following is an entry in ClinVar:

ClinVar aggregate classification (germline): Uncertain significance (1 of 4 stars; one submission).

Allele frequency attached by ClinVar (database versions not stated): gnomAD exomes below 0.00001; ExAC 0.00001; gnomAD 0.00001; 1000 Genomes Project 30x 0.00016; 1000 Genomes Project 0.00020.
gnomAD v4.1: 3 of 1,613,664 alleles (0.00019%); highest among the groups gnomAD compares: African/African-American, 0.0027%; no homozygotes.

Submission:

Labcorp Genetics (formerly Invitae), Labcorp
Classification: Uncertain significance. Last evaluated: 2023-08-09. Review status: criteria provided, single submitter. Criteria: Invitae Variant Classification Sherloc (09022015). Collection method: clinical testing. Allele origin: germline.
Comment: This sequence change replaces valine, which is neutral and non-polar, with alanine, which is neutral and non-polar, at codon 1844 of the KMT2E protein (p.Val1844Ala). This variant is not present in population databases (gnomAD no frequency). This variant has not been reported in the literature in individuals affected with KMT2E-related conditions. An algorithm developed to predict the effect of missense changes on protein structure and function (PolyPhen-2) suggests that this variant is likely to be tolerated. In summary, the available evidence is currently insufficient to determine the role of this variant in disease. Therefore, it has been classified as a Variant of Uncertain Significance.

NM_182931.3(KMT2E):c.5531T>C (p.Val1844Ala)

Gene: KMT2E (lysine methyltransferase 2E (inactive); plus strand). Cytogenetic location: 7q22.3.
Variant type: single nucleotide variant.
Coding change: c.5531T>C on transcript NM_182931.3 (MANE Select); coding-DNA position 5531, T replaced by C.
Protein change: p.Val1844Ala; replaces valine 1844 with alanine.
Molecular consequence: missense variant.
Genome position (GRCh38, 1-based): chr7:105,113,287, T>C. VCF-style: chr7-105113287-T-C. GRCh37 (hg19) VCF-style: chr7-104753734-T-C.
Other names: c.5405T>C, p.Val1802Ala (NM_001410908.1); c.5531T>C, p.Val1844Ala (NM_018682.4); short protein forms V1802A, V1844A.
Identifiers: ClinVar variation 2749469 (VCV002749469.3), dbSNP rs201518949, ClinGen allele CA4425009.
Genomic context (GRCh38, chr7:105,113,287, plus strand): 5'-TTCAAGGACCTCAGCAGGCATCTCCAGTGCCTGGACAGATTCCAATTCACAGAGCACAGG[T>C]GCCACCAACATTTCAAAACAATTACCATGGGTCAGGGTGGCATTAAAATGGACTCCAAAA-3'
Protein context (NP_891847.1, residues 1834-1854): PGQIPIHRAQ[Val1844Ala]PPTFQNNYHG